The following is an entry in ClinVar:

ClinVar aggregate classification (germline): Pathogenic/Likely pathogenic. Review status: criteria provided, multiple submitters, no conflicts (2 of 4 stars). 8 submissions from 8 submitters: Pathogenic (4); Likely pathogenic (1). 3 of the submissions do not count toward it. Last evaluated 2024-12-04.

Conditions:
Neurodevelopmental disorder. Identifiers: MedGen C1535926, MeSH D065886, MONDO:0700092.
Intellectual developmental disorder, X-linked, syndromic, with pigmentary mosaicism and coarse facies. Identifiers: MedGen C5561930, MONDO:0859080, OMIM 301066.

Submissions (8):

GeneDx
Classification: Pathogenic. Last evaluated: 2024-12-04. Review status: criteria provided, single submitter. Criteria: GeneDx Variant Classification Process June 2021. Collection method: clinical testing. Allele origin: germline. Affected: yes.
Comment: Not observed at significant frequency in large population cohorts (gnomAD); In silico analysis supports that this missense variant has a deleterious effect on protein structure/function; This variant is associated with the following publications: (PMID: 31833172, 33504798, 32409512, 33057194, 35982159)

Victorian Clinical Genetics Services, Murdoch Childrens Research Institute
Classification: Pathogenic for Intellectual developmental disorder, X-linked, syndromic, with pigmentary mosaicism and coarse facies. Last evaluated: 2024-10-08. Review status: criteria provided, single submitter. Criteria: ACMG Guidelines, 2015. Collection method: clinical testing. Allele origin: germline. Inheritance: X-linked inheritance. Affected: yes.
Comment: Based on the classification scheme VCGS_Germline_v1.3.4, this variant is classified as Pathogenic. Following criteria are met: 0105 - The mechanism of disease for this gene is not clearly established. Gain of function is the suggested mechanism of disease and is associated with intellectual developmental disorder, X-linked syndromic, with pigmentary mosaicism and coarse facies (MIM#301066; PMID: 30595499). 0110 - This gene is associated with X-linked dominant disease. (I) 0200 - Variant is predicted to result in a missense amino acid change from arginine to glutamine. (I) 0253 - This variant is hemizygous. (I) 0301 - Variant is absent from gnomAD (both v2 and v3). (SP) 0502 - Missense variant with conflicting in silico predictions and uninformative conservation. (I) 0600 - Variant is located in the annotated MITF/TFEB/TFEC/TFE3 N-terminus domain (DECIPHER). (I) 0801 - This variant has strong previous evidence of pathogenicity in unrelated individuals. This variant has been classified as pathogenic by multiple clinical laboratories in ClinVar. This variant has also been observed in heterozygous and hemizygous de novo individuals (one of which was mosaic) with TFE3-related symptoms (PMID: 31833172, 32409512). (SP) 1007 - No published functional evidence has been identified for this variant. (SP) Legend: (SP) - Supporting pathogenic, (I) - Information, (SB) - Supporting benign

CeGaT Center for Human Genetics Tuebingen
Classification: Pathogenic. Last evaluated: 2024-09-01. Review status: criteria provided, single submitter. Criteria: CeGaT Center For Human Genetics Tuebingen Variant Classification Criteria Version 2. Collection method: clinical testing. Allele origin: germline. Affected: yes. Observed: 1 variant allele.
Comment: TFE3: PS2:Very Strong, PM2, PS4:Moderate

Institute for Clinical Genetics, University Hospital TU Dresden, University Hospital TU Dresden
Classification: Likely pathogenic for Intellectual developmental disorder, X-linked, syndromic, with pigmentary mosaicism and coarse facies. Last evaluated: 2023-09-01. Review status: criteria provided, single submitter. Criteria: ACMG Guidelines, 2015. Collection method: clinical testing. Allele origin: de novo. Affected: yes.
Comment: The above-mentioned missense variant in the TFE3 gene (NM_006521.5:c.350G>A, p.(Arg117Gln)) leads to an amino acid exchange at position 117 in the corresponding protein due to a base exchange at position 350 of the cDNA. This variant was classified as pathogenic 5 times in the ClinVar database, in 2 individuals a developmental delay was indicated as phenotype. The variant was also described de novo as the cause of disease in a patient with developmental delay, facial dysmorphia and autism (PMID: 31833172). Another variant leading to an alternative amino acid substitution of the same codon (p.(Arg117Trp)) was classified as pathogenic in the ClinVar database without specification of a phenotype (VID: 1702666). Empirically, the gene does not show increased sensitivity to missense variants (Z-score 2.15). Bioinformatic prediction algorithms estimate the effect of the variant on protein function as insignificant (REVEL score 0.15). However, the variant is located in a functionally relevant protein domain in which other pathogenic missense variants cluster, for which functional studies have demonstrated abnormal cellular compartmentalization of the altered protein (PMID: 30595499). In the gnomAD database, this variant has not yet been found heterozygous in healthy individuals. The variant could not be detected in the segregation analyses in the parents, so that a de novo origin is likely. According to current ACMG recommendations for variant evaluation (PMID 25741868), the criteria PM1, PS2_MOD, PS4_MOD, PM2_SUP, PM5_SUP are fulfilled, resulting in an evaluation as a probably pathogenic variant (ACMG class 4).

Laboratory of Molecular Genetics (Pr. Bezieau's lab), CHU de Nantes
Classification: Pathogenic for Neurodevelopmental disorder. Last evaluated: 2020-03-03. Review status: criteria provided, single submitter. Criteria: ACMG Guidelines, 2015. Collection method: clinical testing. Allele origin: germline. Affected: yes.

OMIM
Classification: Pathogenic for INTELLECTUAL DEVELOPMENTAL DISORDER, X-LINKED, SYNDROMIC, WITH PIGMENTARY MOSAICISM AND COARSE FACIES. Last evaluated: 2021-10-27. Review status: no assertion criteria provided. Collection method: literature only. Allele origin: germline. Not counted in ClinVar's aggregate classification.

Diagnostic Laboratory, Department of Genetics, University Medical Center Groningen
Classification: Pathogenic. Review status: no assertion criteria provided. Collection method: clinical testing. Allele origin: germline. Affected: yes. Study: VKGL Data-share Consensus. Not counted in ClinVar's aggregate classification.

Genome Diagnostics Laboratory, Amsterdam University Medical Center
Classification: Pathogenic. Review status: no assertion criteria provided. Collection method: clinical testing. Allele origin: germline. Affected: yes. Study: VKGL Data-share Consensus. Not counted in ClinVar's aggregate classification.

Literature cited by the submitters: PubMed 30595499 (cited by Victorian Clinical Genetics Services, Murdoch Childrens Research Institute); PubMed 31833172 (cited by Victorian Clinical Genetics Services, Murdoch Childrens Research Institute and OMIM); PubMed 32409512 (cited by Victorian Clinical Genetics Services, Murdoch Childrens Research Institute).

NM_006521.6(TFE3):c.350G>A (p.Arg117Gln)

Gene: TFE3 (transcription factor binding to IGHM enhancer 3; minus strand). Cytogenetic location: Xp11.23.
Variant type: single nucleotide variant.
Coding change: c.350G>A on transcript NM_006521.6 (MANE Select); coding-DNA position 350, G replaced by A.
Protein change: p.Arg117Gln; replaces arginine 117 with glutamine.
Molecular consequence: missense variant.
Genome position (GRCh38, 1-based): chrX:49,039,291, C>T on the plus strand (G>A on the coding strand, the complement: TFE3 is on the minus strand). VCF-style: chrX-49039291-C-T. GRCh37 (hg19) VCF-style: chrX-48896816-C-T.
Other names: c.35G>A, p.Arg12Gln (NM_001282142.2); short protein forms R117Q, R12Q.
Identifiers: ClinVar variation 1064791 (VCV001064791.28), dbSNP rs2147777346, ClinGen allele CA412913105.